The following is an entry in ClinVar:

NM_001127222.2(CACNA1A):c.3384G>A (p.Pro1128=)

Gene: CACNA1A (calcium voltage-gated channel subunit alpha1 A; minus strand). Cytogenetic location: 19p13.13.
Variant type: single nucleotide variant.
Coding change: c.3384G>A on transcript NM_001127222.2 (MANE Select); coding-DNA position 3384, G replaced by A.
Protein change: p.Pro1128=; no amino-acid change (proline 1128 retained).
Molecular consequence: synonymous variant.
Genome position (GRCh38, 1-based): chr19:13,286,672, C>T on the plus strand (G>A on the coding strand, the complement: CACNA1A is on the minus strand). VCF-style: chr19-13286672-C-T. GRCh37 (hg19) VCF-style: chr19-13397486-C-T.
Other names: c.3396G>A, p.Pro1132= (NM_000068.4, NM_023035.3); c.3387G>A, p.Pro1129= (NM_001127221.2, NM_001174080.2).
Identifiers: ClinVar variation 384063 (VCV000384063.57), dbSNP rs370541345, ClinGen allele CA9240340.
Genomic context (GRCh38, chr19:13,286,672, plus strand): 5'-GTTGGTGACGATAAGGCTATTCTCGGGGGTCTTGGGGGGGCCGGGATTGGATGGGTTCCC[C>T]GGGTTGTTGGGCGTCCGGCGGCTGGCGGCGTTCTGGGGGTTGGTGGCCATGGCAGGGATG-3'
Protein context (NP_001120694.1, residues 1118-1138): NAASRRTPNN[Pro1128=]GNPSNPGPPK

ClinVar aggregate classification (germline): Benign/Likely benign. Review status: criteria provided, multiple submitters, no conflicts (2 of 4 stars). 6 submissions from 6 submitters: Benign (1); Likely benign (5). Last evaluated 2026-09-01.

Conditions:
Developmental and epileptic encephalopathy, 42 (DEE42A). Also called: Epileptic encephalopathy, early infantile, 42; DEVELOPMENTAL AND EPILEPTIC ENCEPHALOPATHY 42A; EPILEPTIC ENCEPHALOPATHY, EARLY INFANTILE, 42A. Identifiers: MedGen C4310716, MONDO:0014917, OMIM 617106.
Episodic ataxia type 2 (EA2). Also called: ACETAZOLAMIDE-RESPONSIVE HEREDITARY PAROXYSMAL CEREBELLAR ATAXIA; ATAXIA, EPISODIC, WITH NYSTAGMUS; ATAXIA, FAMILIAL PAROXYSMAL; CEREBELLAR ATAXIA, PAROXYSMAL, ACETAZOLAMIDE-RESPONSIVE; CEREBELLOPATHY, HEREDITARY PAROXYSMAL; EPISODIC ATAXIA, NYSTAGMUS-ASSOCIATED. Identifiers: Orphanet 97, MedGen C1720416, MONDO:0007163, OMIM 108500.
Inborn genetic diseases. Identifiers: MedGen C0950123, MeSH D030342.

Allele frequency attached by ClinVar (database versions not stated): gnomAD 0.00016; gnomAD exomes 0.00021 and 0.00029; TOPMed 0.00022; ExAC 0.00025; ESP Exome Variant Server 0.00025.
gnomAD v4.1: 455 of 1,562,274 alleles (0.029%); highest among the groups gnomAD compares: Non-Finnish European, 0.035%; no homozygotes.

Submissions (6):

CeGaT Center for Human Genetics Tuebingen
Classification: Likely benign. Last evaluated: 2026-09-01. Review status: criteria provided, single submitter. Criteria: CeGaT Center For Human Genetics Tuebingen Variant Classification Criteria Version 2. Collection method: clinical testing. Allele origin: germline. Affected: yes. Observed: 8 variant alleles.
Comment: CACNA1A: BP4, BP7

Labcorp Genetics (formerly Invitae), Labcorp
Classification: Likely benign for Developmental and epileptic encephalopathy, 42; Episodic ataxia type 2. Last evaluated: 2026-01-19. Review status: criteria provided, single submitter. Criteria: Invitae Variant Classification Sherloc (09022015). Collection method: clinical testing. Allele origin: germline.

Blueprint Genetics
Classification: Likely benign. Last evaluated: 2024-11-25. Review status: criteria provided, single submitter. Criteria: ACMG Guidelines, 2015. Collection method: clinical testing. Allele origin: germline.

GeneDx
Classification: Likely benign. Last evaluated: 2020-05-22. Review status: criteria provided, single submitter. Criteria: GeneDx Variant Classification Process June 2021. Collection method: clinical testing. Allele origin: germline. Affected: yes.

Athena Diagnostics
Classification: Benign. Last evaluated: 2019-03-01. Review status: criteria provided, single submitter. Criteria: Athena Diagnostics Criteria. Collection method: clinical testing. Allele origin: germline.

Ambry Genetics
Classification: Likely benign for Inborn genetic diseases. Last evaluated: 2018-09-30. Review status: criteria provided, single submitter. Criteria: Ambry Variant Classification Scheme 2023. Collection method: clinical testing. Allele origin: germline.